The following is an entry in ClinVar:

ClinVar aggregate classification (germline): Benign/Likely benign. Review status: criteria provided, multiple submitters, no conflicts (2 of 4 stars). 4 submissions from 4 submitters: Benign (1); Likely benign (3). Last evaluated 2025-01-17.

Conditions:
Hereditary cancer-predisposing syndrome. Also called: Neoplastic Syndromes, Hereditary; Hereditary Cancer Syndrome; Hereditary neoplastic syndrome; Tumor predisposition. Identifiers: Orphanet 140162, MedGen C0027672, MeSH D009386, MONDO:0015356.
Familial cancer of breast. Also called: BREAST CANCER, FAMILIAL; Hereditary breast cancer; hereditary breast carcinoma. Identifiers: Orphanet 227535, MedGen C0346153, MONDO:0016419, OMIM 114480. Disease mechanism: loss of function.

Submissions (4):

Myriad Genetics, Inc.
Classification: Benign for Familial cancer of breast. Last evaluated: 2025-01-17. Review status: criteria provided, single submitter. Criteria: Myriad Autosomal Dominant, Autosomal Recessive and X-Linked Classification Criteria (2023). Collection method: clinical testing. Allele origin: unknown.
Comment: This variant is considered benign. This variant is a silent/synonymous amino acid change and it is not expected to impact splicing.

Labcorp Genetics (formerly Invitae), Labcorp
Classification: Likely benign for Familial cancer of breast. Last evaluated: 2024-03-16. Review status: criteria provided, single submitter. Criteria: Invitae Variant Classification Sherloc (09022015). Collection method: clinical testing. Allele origin: germline.

Ambry Genetics
Classification: Likely benign for Hereditary cancer-predisposing syndrome. Last evaluated: 2022-03-12. Review status: criteria provided, single submitter. Criteria: Ambry Variant Classification Scheme 2023. Collection method: clinical testing. Allele origin: germline.

Color Diagnostics, LLC DBA Color Health
Classification: Likely benign for Hereditary cancer-predisposing syndrome. Last evaluated: 2019-10-31. Review status: criteria provided, single submitter. Criteria: ACMG Guidelines, 2015. Collection method: clinical testing. Allele origin: germline.

NM_024675.4(PALB2):c.2628T>C (p.Phe876=)

Gene: PALB2 (partner and localizer of BRCA2; minus strand). Cytogenetic location: 16p12.2.
Variant type: single nucleotide variant.
Coding change: c.2628T>C on transcript NM_024675.4 (MANE Select); coding-DNA position 2628, T replaced by C.
Protein change: p.Phe876=; no amino-acid change (phenylalanine 876 retained).
Molecular consequence: synonymous variant.
Genome position (GRCh38, 1-based): chr16:23,626,356, A>G on the plus strand (T>C on the coding strand, the complement: PALB2 is on the minus strand). VCF-style: chr16-23626356-A-G. GRCh37 (hg19) VCF-style: chr16-23637677-A-G.
Identifiers: ClinVar variation 460950 (VCV000460950.15), dbSNP rs876659584, ClinGen allele CA494161283.